The following is an entry in ClinVar:

NM_001854.4(COL11A1):c.2926G>A (p.Gly976Ser)

Gene: COL11A1 (collagen type XI alpha 1 chain; minus strand). Cytogenetic location: 1p21.1.
Variant type: single nucleotide variant.
Coding change: c.2926G>A on transcript NM_001854.4 (MANE Select); coding-DNA position 2926, G replaced by A.
Protein change: p.Gly976Ser; replaces glycine 976 with serine.
Molecular consequence: missense variant. On other transcripts: non-coding transcript variant (1).
Genome position (GRCh38, 1-based): chr1:102,962,751, C>T on the plus strand (G>A on the coding strand, the complement: COL11A1 is on the minus strand). VCF-style: chr1-102962751-C-T. GRCh37 (hg19) VCF-style: chr1-103428307-C-T.
Other names: c.2962G>A, p.Gly988Ser (NM_080629.3); c.2578G>A, p.Gly860Ser (NM_080630.4); c.2809G>A, p.Gly937Ser (NM_001190709.2); short protein forms G860S, G937S, G976S, G988S.
Identifiers: ClinVar variation 1300294 (VCV001300294.8), dbSNP rs763187998, ClinGen allele CA974205.
Genomic context (GRCh38, chr1:102,962,751, plus strand): 5'-GCTCACCAGGAGGGCCAGGAGGGCCAGGATGCCCACGTTCCCCTATTGGACCAGTCTCAC[C>T]GGTTGGTCCCTAAATTAGATAAGCAAAATCACTTTAGATTGCTCTTTTATTTTTGGCAAA-3'
Protein context (NP_001845.3, residues 966-986): GGVVGPQGPT[Gly976Ser]ETGPIGERGH

ClinVar aggregate classification (germline): Conflicting classifications of pathogenicity. Review status: criteria provided, conflicting classifications (1 of 4 stars). 3 submissions from 3 submitters: Likely pathogenic (1); Uncertain significance (2). Last evaluated 2024-09-11.

Conditions:
Stickler syndrome type 2 (STL2). Also called: STICKLER SYNDROME, BEADED VITREOUS TYPE; STICKLER SYNDROME, VITREOUS TYPE 2; STICKLER SYNDROME, TYPE II; COL11A1-Related Stickler Syndrome. Identifiers: Orphanet 828, Orphanet 90654, MedGen C1858084, MONDO:0011493, OMIM 604841.

Allele frequency attached by ClinVar (database versions not stated): gnomAD 0.00001; gnomAD exomes 0.00001 and 0.00003; ExAC 0.00002; TOPMed 0.00003.
gnomAD v4.1: 41 of 1,613,792 alleles (0.0025%); highest among the groups gnomAD compares: Middle Eastern, 0.016%; no homozygotes.

Submissions (3):

Labcorp Genetics (formerly Invitae), Labcorp
Classification: Uncertain significance. Last evaluated: 2024-09-11. Review status: criteria provided, single submitter. Criteria: Invitae Variant Classification Sherloc (09022015). Collection method: clinical testing. Allele origin: germline.
Comment: This sequence change replaces glycine, which is neutral and non-polar, with serine, which is neutral and polar, at codon 976 of the COL11A1 protein (p.Gly976Ser). This variant is present in population databases (rs763187998, gnomAD 0.01%). This missense change has been observed in individual(s) with myopia (PMID: 29453956). This variant is also known as c.2962G>A (p.G988S). ClinVar contains an entry for this variant (Variation ID: 1300294). Invitae Evidence Modeling of protein sequence and biophysical properties (such as structural, functional, and spatial information, amino acid conservation, physicochemical variation, residue mobility, and thermodynamic stability) has been performed for this missense variant. However, the output from this modeling did not meet the statistical confidence thresholds required to predict the impact of this variant on COL11A1 protein function. In summary, the available evidence is currently insufficient to determine the role of this variant in disease. Therefore, it has been classified as a Variant of Uncertain Significance.

GeneDx
Classification: Uncertain significance. Last evaluated: 2023-01-30. Review status: criteria provided, single submitter. Criteria: GeneDx Variant Classification Process June 2021. Collection method: clinical testing. Allele origin: germline. Affected: yes.
Comment: Reported (as p.(G988S) due to alternate nomenclature) in a patient with late onset high myopia (Zhou et al., 2018); however, additional clinical information was not provided; Not observed at significant frequency in large population cohorts (gnomAD); In silico analysis supports that this missense variant has a deleterious effect on protein structure/function; This variant is associated with the following publications: (PMID: 34426522, 29453956, 25240749)

Clinical Biomedical Laboratory, Shriners Hospital For Children - Canada
Classification: Likely pathogenic for Stickler syndrome type 2. Review status: criteria provided, single submitter. Criteria: ACMG Guidelines, 2015. Collection method: clinical testing. Allele origin: germline. Affected: yes.
Comment: This variant is predicted to substitute a glycine residue by a serine residue in the collagen type XI alpha 1 chain. The variant is present at very low frequency in the Genome Aggregation Database (gnomAD v2.1.1), indicating it is very rare. Computational tools (REVEL: 0.99) suggest that the amino acid change is damaging to protein function. This variant has been submitted to ClinVar as variant of uncertain significance by two submitters (Variation ID: 1300294). A different variant affecting the same amino acid (p.Gly976Val; Variation ID 17133) is listed as pathogenic in ClinVar. Pathogenic variants in COL11A1 are associated with Stickler syndrome 2, which has considerable overlap with the phenotype reported in the proband. Based on the ACMG variant interpretation guidelines (criteria: PM2, PM5, PP2, PP3), the available evidence supports classification of this variant as likely pathogenic.

Literature cited by the submitters: PubMed 29453956 (cited by Labcorp Genetics (formerly Invitae), Labcorp).